The following is an entry in ClinVar:

NM_032119.4(ADGRV1):c.3901_3902delinsTT (p.Asp1301Phe)

Gene: ADGRV1 (adhesion G protein-coupled receptor V1; plus strand). Cytogenetic location: 5q14.3.
Variant type: Indel.
Coding change: c.3901_3902delinsTT on transcript NM_032119.4 (MANE Select); coding-DNA positions 3901 to 3902, GA replaced by TT.
Protein change: p.Asp1301Phe; replaces aspartic acid 1301 with phenylalanine.
Molecular consequence: missense variant. On other transcripts: non-coding transcript variant (1).
Genome position (GRCh38, 1-based): chr5:90,653,475-90,653,476, GA replaced by TT. VCF-style: chr5-90653475-GA-TT. GRCh37 (hg19) VCF-style: chr5-89949292-GA-TT.
Other names: short protein forms D1301F.
Identifiers: ClinVar variation 3661414 (VCV003661414.2).

ClinVar aggregate classification (germline): Uncertain significance (1 of 4 stars; one submission).

Submission:

Labcorp Genetics (formerly Invitae), Labcorp
Classification: Uncertain significance. Last evaluated: 2024-08-10. Review status: criteria provided, single submitter. Criteria: Invitae Variant Classification Sherloc (09022015). Collection method: clinical testing. Allele origin: germline.
Comment: This sequence change replaces aspartic acid, which is acidic and polar, with phenylalanine, which is neutral and non-polar, at codon 1301 of the ADGRV1 protein (p.Asp1301Phe). Information on the frequency of this variant in the gnomAD database is not available, as this variant may be reported differently in the database. This variant has not been reported in the literature in individuals affected with ADGRV1-related conditions. An algorithm developed to predict the effect of missense changes on protein structure and function (PolyPhen-2) suggests that this variant is likely to be disruptive. In summary, the available evidence is currently insufficient to determine the role of this variant in disease. Therefore, it has been classified as a Variant of Uncertain Significance.